The following is an entry in ClinVar:

NM_004656.4(BAP1):c.1213G>T (p.Glu405Ter)

Gene: BAP1 (BRCA1 associated deubiquitinase 1; minus strand). Cytogenetic location: 3p21.1.
Variant type: single nucleotide variant.
Coding change: c.1213G>T on transcript NM_004656.4 (MANE Select); coding-DNA position 1213, G replaced by T.
Protein change: p.Glu405Ter; replaces glutamic acid 405 with a stop codon.
Molecular consequence: nonsense.
Genome position (GRCh38, 1-based): chr3:52,404,490, C>A on the plus strand (G>T on the coding strand, the complement: BAP1 is on the minus strand). VCF-style: chr3-52404490-C-A. GRCh37 (hg19) VCF-style: chr3-52438506-C-A.
Other names: short protein forms E405*.
Identifiers: ClinVar variation 1171962 (VCV001171962.2), dbSNP rs1705082679, ClinGen allele CA353102919.
Genomic context (GRCh38, chr3:52,404,490, plus strand): 5'-TAGCCTTAGAAAGCTGGGCTGACCTAAGGGCAGAGTTGGTGTTCTGCACGTCATCCTCCT[C>A]GTCATCCTCATAGTCATCCTCATCATCTGAGTACTGCTGGGGTGGGCGGACTGGAACTCG-3'

ClinVar aggregate classification (germline): Pathogenic (1 of 4 stars; one submission).

Conditions:
Hereditary cancer-predisposing syndrome. Also called: Tumor predisposition; Hereditary neoplastic syndrome; Hereditary Cancer Syndrome; Neoplastic Syndromes, Hereditary. Identifiers: Orphanet 140162, MedGen C0027672, MeSH D009386, MONDO:0015356.

Submission:

Color Diagnostics, LLC DBA Color Health
Classification: Pathogenic for Hereditary cancer-predisposing syndrome. Last evaluated: 2020-12-11. Review status: criteria provided, single submitter. Criteria: ACMG Guidelines, 2015. Collection method: clinical testing. Allele origin: germline.
Comment: This variant changes 1 nucleotide in exon 12 of the BAP1 gene, creating a premature translation stop signal. This variant is expected to result in an absent or non-functional protein product. To our knowledge, this variant has not been reported in individuals affected with hereditary cancer in the literature. This variant has not been identified in the general population by the Genome Aggregation Database (gnomAD). Loss of BAP1 function is a known mechanism of disease. Based on the available evidence, this variant is classified as Pathogenic.